The following is an entry in ClinVar:

NM_001105206.3(LAMA4):c.247G>C (p.Asp83His)

Gene: LAMA4 (laminin subunit alpha 4; minus strand). Cytogenetic location: 6q21.
Variant type: single nucleotide variant.
Coding change: c.247G>C on transcript NM_001105206.3 (MANE Select); coding-DNA position 247, G replaced by C.
Protein change: p.Asp83His; replaces aspartic acid 83 with histidine.
Molecular consequence: missense variant.
Genome position (GRCh38, 1-based): chr6:112,216,418, C>G on the plus strand (G>C on the coding strand, the complement: LAMA4 is on the minus strand). VCF-style: chr6-112216418-C-G. GRCh37 (hg19) VCF-style: chr6-112537619-C-G.
Other names: c.247G>C, p.Asp83His (NM_001105207.3, NM_002290.5); short protein forms D83H.
Identifiers: ClinVar variation 846872 (VCV000846872.10), dbSNP rs531319918, ClinGen allele CA3966262.

ClinVar aggregate classification (germline): Uncertain significance. Review status: criteria provided, multiple submitters, no conflicts (2 of 4 stars). 2 submissions from 2 submitters: Uncertain significance (2). Last evaluated 2021-10-27.

Conditions:
Dilated cardiomyopathy 1JJ (CMD1JJ). Identifiers: Orphanet 154, MedGen C3808935, MONDO:0014095, OMIM 615235.

gnomAD v4.1: 1 of 1,614,072 alleles (0.000062%); highest among the groups gnomAD compares: South Asian, 0.0011%; no homozygotes.

Submissions (2):

Fulgent Genetics
Classification: Uncertain significance for Dilated cardiomyopathy 1JJ. Last evaluated: 2021-10-27. Review status: criteria provided, single submitter. Criteria: ACMG Guidelines, 2015. Collection method: clinical testing. Allele origin: unknown.

Labcorp Genetics (formerly Invitae), Labcorp
Classification: Uncertain significance for Dilated cardiomyopathy 1JJ. Last evaluated: 2019-02-21. Review status: criteria provided, single submitter. Criteria: Invitae Variant Classification Sherloc (09022015). Collection method: clinical testing. Allele origin: germline.
Comment: In summary, the available evidence is currently insufficient to determine the role of this variant in disease. Therefore, it has been classified as a Variant of Uncertain Significance. Algorithms developed to predict the effect of missense changes on protein structure and function (SIFT, PolyPhen-2, Align-GVGD) all suggest that this variant is likely to be tolerated, but these predictions have not been confirmed by published functional studies and their clinical significance is uncertain. This variant has not been reported in the literature in individuals with LAMA4-related conditions. This variant is present in population databases (rs531319918, ExAC 0.006%). This sequence change replaces aspartic acid with histidine at codon 83 of the LAMA4 protein (p.Asp83His). The aspartic acid residue is moderately conserved and there is a moderate physicochemical difference between aspartic acid and histidine.